The following is an entry in ClinVar:

ClinVar aggregate classification (germline): Uncertain significance. Review status: criteria provided, single submitter (1 of 4 stars). 2 submissions from 2 submitters: Uncertain significance (1). 1 of the submissions does not count toward it. Last evaluated 2022-11-15.

Conditions:
Epilepsy, familial focal, with variable foci 4 (FFEVF4). Identifiers: MedGen C4693694, MONDO:0054776, OMIM 617935.

Allele frequency attached by ClinVar (database versions not stated): TOPMed below 0.00001; gnomAD 0.00001; gnomAD exomes 0.00001 and 0.00002; ExAC 0.00003.
gnomAD v4.1: 21 of 1,613,832 alleles (0.0013%); highest among the groups gnomAD compares: Non-Finnish European, 0.0014%; no homozygotes.

Submissions (2):

Labcorp Genetics (formerly Invitae), Labcorp
Classification: Uncertain significance. Last evaluated: 2022-11-15. Review status: criteria provided, single submitter. Criteria: Invitae Variant Classification Sherloc (09022015). Collection method: clinical testing. Allele origin: germline.
Comment: This sequence change falls in intron 7 of the SCN3A gene. It does not directly change the encoded amino acid sequence of the SCN3A protein. It affects a nucleotide within the consensus splice site. This variant is present in population databases (rs767084097, gnomAD 0.004%). This variant has not been reported in the literature in individuals affected with SCN3A-related conditions. ClinVar contains an entry for this variant (Variation ID: 1019843). Variants that disrupt the consensus splice site are a relatively common cause of aberrant splicing (PMID: 17576681, 9536098). Algorithms developed to predict the effect of sequence changes on RNA splicing suggest that this variant is not likely to affect RNA splicing. In summary, the available evidence is currently insufficient to determine the role of this variant in disease. Therefore, it has been classified as a Variant of Uncertain Significance.

Zotz-Klimas Genetics Lab, MVZ Zotz Klimas
Classification: Uncertain significance for Epilepsy, familial focal, with variable foci 4. Last evaluated: 2023-10-30. Review status: no assertion criteria provided. Collection method: clinical testing. Allele origin: germline. Affected: yes. Not counted in ClinVar's aggregate classification.

Literature cited by the submitters: PubMed 17576681 (cited by Labcorp Genetics (formerly Invitae), Labcorp); PubMed 9536098 (cited by Labcorp Genetics (formerly Invitae), Labcorp).

NM_006922.4(SCN3A):c.694+3G>T

Gene: SCN3A (sodium voltage-gated channel alpha subunit 3; minus strand). Cytogenetic location: 2q24.3.
Variant type: single nucleotide variant.
Coding change: c.694+3G>T on transcript NM_006922.4 (MANE Select); 3 bases into the intron after coding-DNA position 694, G replaced by T.
Molecular consequence: intron variant.
Genome position (GRCh38, 1-based): chr2:165,163,615, C>A on the plus strand (G>T on the coding strand, the complement: SCN3A is on the minus strand). VCF-style: chr2-165163615-C-A. GRCh37 (hg19) VCF-style: chr2-166020125-C-A.
Other names: c.694+3G>T (NM_001081676.2); c.694+187G>T (NM_001081677.2).
Identifiers: ClinVar variation 1019843 (VCV001019843.7), dbSNP rs767084097, ClinGen allele CA1939358.